The following is an entry in ClinVar:

NM_001005242.3(PKP2):c.10C>A (p.Pro4Thr)

Gene: PKP2 (plakophilin 2; minus strand). Cytogenetic location: 12p11.21.
Variant type: single nucleotide variant.
Coding change: c.10C>A on transcript NM_001005242.3 (MANE Select); coding-DNA position 10, C replaced by A.
Protein change: p.Pro4Thr; replaces proline 4 with threonine.
Molecular consequence: missense variant. On other transcripts: 5 prime UTR variant (4).
Genome position (GRCh38, 1-based): chr12:32,896,722, G>T on the plus strand (C>A on the coding strand, the complement: PKP2 is on the minus strand). VCF-style: chr12-32896722-G-T. GRCh37 (hg19) VCF-style: chr12-33049656-G-T.
Other names: c.10C>A, p.Pro4Thr (NM_001407155.1, NM_001407156.1, NM_001407157.1 and 2 more transcripts); c.-817C>A (NM_001407158.1, NM_001407162.1); c.-581C>A (NM_001407159.1, NM_001407160.1); short protein forms P4T.
Identifiers: ClinVar variation 2762937 (VCV002762937.3), dbSNP rs1425675043, ClinGen allele CA384371818.
Genomic context (GRCh38, chr12:32,896,722, plus strand): 5'-GTCCCAGGATCTGCTGGCCCAGGACGGTCCGGATGTAGCCGTACTCAGCTGGGGCGCCGG[G>T]GGCTGCCATGGGGCCGGTGGGGGCGACCGAGCTGCTCGCCTGCCTCTGGACTCGCGGGCG-3'
Protein context (NP_001005242.2, residues 1-14): MAA[Pro4Thr]GAPAEYGYIR

ClinVar aggregate classification (germline): Uncertain significance (1 of 4 stars; one submission).

Conditions:
Arrhythmogenic right ventricular dysplasia 9 (ARVD9). Also called: ARRHYTHMOGENIC RIGHT VENTRICULAR DYSPLASIA, FAMILIAL, 9; Arrhythmogenic Right Ventricular Dysplasia/Cardiomyopathy 9. Identifiers: MedGen C1836906, MONDO:0012180, OMIM 609040.

Submission:

Labcorp Genetics (formerly Invitae), Labcorp
Classification: Uncertain significance for Arrhythmogenic right ventricular dysplasia 9. Last evaluated: 2023-09-23. Review status: criteria provided, single submitter. Criteria: Invitae Variant Classification Sherloc (09022015). Collection method: clinical testing. Allele origin: germline.
Comment: This variant is not present in population databases (gnomAD no frequency). In summary, the available evidence is currently insufficient to determine the role of this variant in disease. Therefore, it has been classified as a Variant of Uncertain Significance. An algorithm developed to predict the effect of missense changes on protein structure and function (PolyPhen-2) suggests that this variant is likely to be tolerated. This variant has not been reported in the literature in individuals affected with PKP2-related conditions. This sequence change replaces proline, which is neutral and non-polar, with threonine, which is neutral and polar, at codon 4 of the PKP2 protein (p.Pro4Thr).